The following is an entry in ClinVar:

NM_138694.4(PKHD1):c.3848C>A (p.Ser1283Ter)

Gene: PKHD1 (PKHD1 ciliary IPT domain containing fibrocystin/polyductin; minus strand). Cytogenetic location: 6p12.2.
Variant type: single nucleotide variant.
Coding change: c.3848C>A on transcript NM_138694.4 (MANE Select); coding-DNA position 3848, C replaced by A.
Protein change: p.Ser1283Ter; replaces serine 1283 with a stop codon.
Molecular consequence: nonsense.
Genome position (GRCh38, 1-based): chr6:52,025,962, G>T on the plus strand (C>A on the coding strand, the complement: PKHD1 is on the minus strand). VCF-style: chr6-52025962-G-T. GRCh37 (hg19) VCF-style: chr6-51890760-G-T.
Other names: c.3848C>A, p.Ser1283Ter (NM_170724.3); short protein forms S1283*.
Identifiers: ClinVar variation 2734903 (VCV002734903.3), dbSNP rs2532734547, ClinGen allele CA364437336.

ClinVar aggregate classification (germline): Pathogenic (1 of 4 stars; one submission).

Conditions:
Autosomal recessive polycystic kidney disease (ARPKD). Also called: AR polycystic kidney disease. Identifiers: Orphanet 731, Orphanet 8378, MedGen C0085548, MeSH D017044, MONDO:0009889.

Submission:

Labcorp Genetics (formerly Invitae), Labcorp
Classification: Pathogenic for Autosomal recessive polycystic kidney disease. Last evaluated: 2024-01-04. Review status: criteria provided, single submitter. Criteria: Invitae Variant Classification Sherloc (09022015). Collection method: clinical testing. Allele origin: germline.
Comment: This sequence change creates a premature translational stop signal (p.Ser1283*) in the PKHD1 gene. It is expected to result in an absent or disrupted protein product. Loss-of-function variants in PKHD1 are known to be pathogenic (PMID: 19940839). This variant is not present in population databases (gnomAD no frequency). This premature translational stop signal has been observed in individual(s) with autosomal recessive polycystic kidney disease (PMID: 15805161). For these reasons, this variant has been classified as Pathogenic.

Literature cited by the submitters: PubMed 19940839; PubMed 15805161.